The following is an entry in ClinVar:

ClinVar aggregate classification (germline): Likely benign (1 of 4 stars; one submission).

Allele frequency attached by ClinVar (database versions not stated): ExAC 0.00003.
gnomAD v4.1: 85 of 1,612,974 alleles (0.0053%); highest among the groups gnomAD compares: South Asian, 0.022%; no homozygotes.

Submission:

CeGaT Center for Human Genetics Tuebingen
Classification: Likely benign. Last evaluated: 2022-11-01. Review status: criteria provided, single submitter. Criteria: CeGaT Center For Human Genetics Tuebingen Variant Classification Criteria Version 2. Collection method: clinical testing. Allele origin: germline. Affected: yes. Observed: 1 variant allele.
Comment: NLRP2: BP4, BP7

NM_017852.5(NLRP2):c.1194C>T (p.Pro398=)

Gene: NLRP2 (NLR family pyrin domain containing 2; plus strand). Cytogenetic location: 19q13.42.
Variant type: single nucleotide variant.
Coding change: c.1194C>T on transcript NM_017852.5 (MANE Select); coding-DNA position 1194, C replaced by T.
Protein change: p.Pro398=; no amino-acid change (proline 398 retained).
Molecular consequence: synonymous variant. On other transcripts: non-coding transcript variant (1).
Genome position (GRCh38, 1-based): chr19:54,982,892, C>T. VCF-style: chr19-54982892-C-T. GRCh37 (hg19) VCF-style: chr19-55494260-C-T.
Other names: c.1194C>T, p.Pro398= (NM_001174081.3); c.1128C>T, p.Pro376= (NM_001174082.3); c.1125C>T, p.Pro375= (NM_001174083.2); c.1185C>T, p.Pro395= (NM_001348003.2).
Identifiers: ClinVar variation 2650500 (VCV002650500.24), dbSNP rs79231339, ClinGen allele CA310103990.